The following is an entry in ClinVar:

ClinVar aggregate classification (germline): Uncertain significance (1 of 4 stars; one submission).

Allele frequency attached by ClinVar (database versions not stated): gnomAD exomes below 0.00001; gnomAD 0.00001; TOPMed 0.00001; ExAC 0.00004.
gnomAD v4.1: 7 of 1,608,520 alleles (0.00044%); highest among the groups gnomAD compares: African/African-American, 0.0027%; no homozygotes.

Submission:

Labcorp Genetics (formerly Invitae), Labcorp
Classification: Uncertain significance. Last evaluated: 2022-04-21. Review status: criteria provided, single submitter. Criteria: Invitae Variant Classification Sherloc (09022015). Collection method: clinical testing. Allele origin: germline.
Comment: This sequence change replaces arginine, which is basic and polar, with tryptophan, which is neutral and slightly polar, at codon 813 of the OTOF protein (p.Arg813Trp). The frequency data for this variant in the population databases is considered unreliable, as metrics indicate poor data quality at this position in the gnomAD database. This variant has not been reported in the literature in individuals affected with OTOF-related conditions. In summary, the available evidence is currently insufficient to determine the role of this variant in disease. Therefore, it has been classified as a Variant of Uncertain Significance. Algorithms developed to predict the effect of missense changes on protein structure and function (SIFT, PolyPhen-2, Align-GVGD) all suggest that this variant is likely to be disruptive.

NM_194248.3(OTOF):c.2437C>T (p.Arg813Trp)

Gene: OTOF (otoferlin; minus strand). Cytogenetic location: 2p23.3.
Variant type: single nucleotide variant.
Coding change: c.2437C>T on transcript NM_194248.3 (MANE Select); coding-DNA position 2437, C replaced by T.
Protein change: p.Arg813Trp; replaces arginine 813 with tryptophan.
Molecular consequence: missense variant.
Genome position (GRCh38, 1-based): chr2:26,477,258, G>A on the plus strand (C>T on the coding strand, the complement: OTOF is on the minus strand). VCF-style: chr2-26477258-G-A. GRCh37 (hg19) VCF-style: chr2-26700126-G-A.
Other names: c.2437C>T, p.Arg813Trp (NM_001287489.2); c.196C>T, p.Arg66Trp (NM_004802.4, NM_194323.3); c.367C>T, p.Arg123Trp (NM_194322.3); short protein forms R813W, R123W, R66W.
Identifiers: ClinVar variation 1910832 (VCV001910832.3), dbSNP rs775183780, ClinGen allele CA1563899.